The following is an entry in ClinVar:

ClinVar aggregate classification (germline): Pathogenic. Review status: reviewed by expert panel (3 of 4 stars). 4 submissions from 4 submitters: Pathogenic (1). 3 of the submissions do not count toward it. Last evaluated 2018-08-31.

Conditions:
Cystic fibrosis (CF). Also called: MUCOVISCIDOSIS. Identifiers: Orphanet 586, MedGen C0010674, MONDO:0009061, OMIM 219700. Disease mechanism: loss of function.
Bronchiectasis with or without elevated sweat chloride 1 (BESC1). Also called: Cystic Fibrosis-Like Syndrome. Identifiers: Orphanet 60033, MedGen C2749757, MONDO:0008887, OMIM 211400.
Hereditary pancreatitis (PCTT). Also called: Hereditary chronic pancreatitis; PRSS1-Related Hereditary Pancreatitis. Identifiers: Orphanet 676, MedGen C0238339, MONDO:0008185, OMIM 167800.
Congenital bilateral aplasia of vas deferens from CFTR mutation (CBAVD). Identifiers: Orphanet 48, MedGen C0403814, MONDO:0010178, OMIM 277180. Disease mechanism: loss of function.

gnomAD v4.1: 1 of 1,609,530 alleles (0.000062%); highest among the groups gnomAD compares: Non-Finnish European, 0.000085%; no homozygotes.

Submissions (4):

CFTR2
Classification: Pathogenic for Cystic fibrosis. Last evaluated: 2018-08-31. Review status: reviewed by expert panel. Criteria: Sosnay PR et al. (Nat Genet 2013). Collection method: research. Allele origin: germline. Affected: yes.

Fulgent Genetics
Classification: Likely pathogenic for Hereditary pancreatitis; Bronchiectasis with or without elevated sweat chloride 1; Cystic fibrosis; Congenital bilateral aplasia of vas deferens from CFTR mutation. Last evaluated: 2024-02-15. Review status: criteria provided, single submitter. Criteria: ACMG Guidelines, 2015. Collection method: clinical testing. Allele origin: germline. Not counted in ClinVar's aggregate classification.

Institute of Human Genetics, University of Leipzig Medical Center
Classification: Likely pathogenic for Cystic fibrosis. Last evaluated: 2022-09-05. Review status: criteria provided, single submitter. Criteria: ACMG Guidelines, 2015. Collection method: curation. Allele origin: unknown. Affected: yes. Observed: 1 variant allele. Not counted in ClinVar's aggregate classification.
Comment: The variant was classified in the context of a project re-classifying variants in the German Cystic Fibrosis Registry (Muko.e.V.). Criteria applied: PM2_SUP, PM3_STR, PP3, PP4

Ambry Genetics
Classification: Likely pathogenic for Cystic fibrosis. Last evaluated: 2022-06-16. Review status: criteria provided, single submitter. Criteria: Ambry Variant Classification Scheme 2023. Collection method: clinical testing. Allele origin: germline. Not counted in ClinVar's aggregate classification.
Comment: The p.E474K variant (also known as c.1420G>A), located in coding exon 11 of the CFTR gene, results from a G to A substitution at nucleotide position 1420. The glutamic acid at codon 474 is replaced by lysine, an amino acid with similar properties. In vitro assays using a chamber assay showed that the residual function of E474K was significantly diminished when expressed in CFBE cells (Han ST et al. JCI Insight, 2018 07;3:). This variant is considered to be rare based on population cohorts in the Genome Aggregation Database (gnomAD). This amino acid position is highly conserved in available vertebrate species. In addition, this alteration is predicted to be deleterious by in silico analysis. Based on the majority of available evidence to date, this variant is likely to be pathogenic.

Literature cited by the submitters: PubMed 30046002 (cited by Ambry Genetics).

NM_000492.4(CFTR):c.1420G>A (p.Glu474Lys)

Genes: CFTR (CF transmembrane conductance regulator; plus strand), CFTR-AS1 (CFTR antisense RNA 1; minus strand). Cytogenetic location: 7q31.2.
Variant type: single nucleotide variant.
Coding change: c.1420G>A on transcript NM_000492.4 (MANE Select); coding-DNA position 1420, G replaced by A.
Protein change: p.Glu474Lys; replaces glutamic acid 474 with lysine.
Molecular consequence: missense variant.
Genome position (GRCh38, 1-based): chr7:117,559,491, G>A. VCF-style: chr7-117559491-G-A. GRCh37 (hg19) VCF-style: chr7-117199545-G-A.
Other names: short protein forms E474K.
Identifiers: ClinVar variation 634836 (VCV000634836.5), dbSNP rs756206533, ClinGen allele CA164967631.